The following is an entry in ClinVar:

ClinVar aggregate classification (germline): Uncertain significance (1 of 4 stars; one submission).

gnomAD v4.1: 1 of 1,614,160 alleles (0.000062%); highest among the groups gnomAD compares: African/African-American, 0.0013%; no homozygotes.

Submission:

GeneDx
Classification: Uncertain significance. Last evaluated: 2024-01-08. Review status: criteria provided, single submitter. Criteria: GeneDx Variant Classification Process June 2021. Collection method: clinical testing. Allele origin: germline. Affected: yes.
Comment: Not observed at significant frequency in large population cohorts (gnomAD); In silico analysis supports that this missense variant has a deleterious effect on protein structure/function; Has not been previously published as pathogenic or benign to our knowledge

NM_006796.3(AFG3L2):c.869G>T (p.Ser290Ile)

Gene: AFG3L2 (AFG3 like matrix AAA peptidase subunit 2; minus strand). Cytogenetic location: 18p11.21.
Variant type: single nucleotide variant.
Coding change: c.869G>T on transcript NM_006796.3 (MANE Select); coding-DNA position 869, G replaced by T.
Protein change: p.Ser290Ile; replaces serine 290 with isoleucine.
Molecular consequence: missense variant.
Genome position (GRCh38, 1-based): chr18:12,358,827, C>A on the plus strand (G>T on the coding strand, the complement: AFG3L2 is on the minus strand). VCF-style: chr18-12358827-C-A. GRCh37 (hg19) VCF-style: chr18-12358826-C-A.
Other names: short protein forms S290I.
Identifiers: ClinVar variation 3367458 (VCV003367458.1).